The following is an entry in ClinVar:

ClinVar aggregate classification (germline): Likely pathogenic (1 of 4 stars; one submission).

Conditions:
Neuronal ceroid lipofuscinosis 7 (CLN7). Also called: MFSD8-Related Neuronal Ceroid-Lipofuscinosis. Identifiers: Orphanet 168491, Orphanet 228366, MedGen C1838571, MONDO:0012588, OMIM 610951.

Submission:

Labcorp Genetics (formerly Invitae), Labcorp
Classification: Likely pathogenic for Neuronal ceroid lipofuscinosis 7. Last evaluated: 2022-10-13. Review status: criteria provided, single submitter. Criteria: Invitae Variant Classification Sherloc (09022015). Collection method: clinical testing. Allele origin: germline.
Comment: ClinVar contains an entry for this variant (Variation ID: 968635). In summary, the currently available evidence indicates that the variant is pathogenic, but additional data are needed to prove that conclusively. Therefore, this variant has been classified as Likely Pathogenic. This variant has not been reported in the literature in individuals affected with MFSD8-related conditions. This variant results in the deletion of part of exon 3 (c.63-652_74del) of the MFSD8 gene. It is expected to disrupt RNA splicing. Variants that disrupt the donor or acceptor splice site typically lead to a loss of protein function (PMID: 16199547), and loss-of-function variants in MFSD8 are known to be pathogenic (PMID: 19177532, 25227500, 28586915). This variant is not present in population databases (gnomAD no frequency).

Literature cited by the submitters: PubMed 16199547; PubMed 19177532; PubMed 25227500; PubMed 28586915.

NM_001371596.2(MFSD8):c.63-652_74del

Gene: MFSD8 (major facilitator superfamily domain containing 8; minus strand). Cytogenetic location: 4q28.2.
Variant type: Deletion.
Coding change: c.63-652_74del on transcript NM_001371596.2 (MANE Select); 652 bases into the intron before coding-DNA position 63 through coding-DNA position 74, 664 bases deleted.
Molecular consequence: splice acceptor variant.
Genome position (GRCh38, 1-based): chr4:127,957,581-127,958,244, 664 bases deleted. GRCh37 (hg19): chr4:128,878,737-128,879,400.
Other names: c.-71-654_-62del (NM_001371595.1); c.-73-652_-62del (NM_001410765.1, NM_001371590.2); c.63-652_74del (NM_152778.4, NM_001363521.3, NM_001410766.1 and 5 more transcripts).
Identifiers: ClinVar variation 968635 (VCV000968635.10), dbSNP rs1743097125, ClinGen allele CA1139658644.